The following is an entry in ClinVar:

NM_001318510.2(ACSL4):c.-12-2A>G

Gene: ACSL4 (acyl-CoA synthetase long chain family member 4; minus strand). Cytogenetic location: Xq23.
Variant type: single nucleotide variant.
Coding change: c.-12-2A>G on transcript NM_001318510.2 (MANE Select); the canonical splice acceptor site of the intron before 12 bases upstream of the start codon, A replaced by G.
Molecular consequence: splice acceptor variant. On other transcripts: missense variant (2), intron variant (1).
Genome position (GRCh38, 1-based): chrX:109,683,377, T>C on the plus strand (A>G on the coding strand, the complement: ACSL4 is on the minus strand). VCF-style: chrX-109683377-T-C. GRCh37 (hg19) VCF-style: chrX-108926606-T-C.
Other names: NC_000023.10:g.108926606T>C; c.110A>G, p.Lys37Arg (NM_001318509.2, NM_022977.3); c.-9-5A>G (NM_004458.3); short protein forms K37R.
Identifiers: ClinVar variation 3897337 (VCV003897337.2).

ClinVar aggregate classification (germline): Uncertain significance (1 of 4 stars; one submission).

gnomAD v4.1: 1 of 1,209,749 alleles (0.000083%); highest among the groups gnomAD compares: Non-Finnish European, 0.00011%; no homozygotes.

Submissions (2):

GeneDx
Classification: Uncertain significance. Last evaluated: 2024-10-29. Review status: criteria provided, single submitter. Criteria: GeneDx Variant Classification Process June 2021. Collection method: clinical testing. Allele origin: germline. Affected: yes.
Comment: Not observed at significant frequency in large population cohorts (gnomAD); In silico analysis supports a deleterious effect on splicing; Located in a regulatory region; in the absence of functional studies, the actual effect of this sequence change is unknown; Has not been previously published as pathogenic or benign to our knowledge

Dr. Peter K. Rogan Lab, Western University
No classification provided (evidence only). Condition: Nonpapillary renal cell carcinoma. Review status: no classification provided. Collection method: in vitro. Allele origin: not applicable. Functional consequence: skipped exon. Not counted in ClinVar's aggregate classification.